The following is an entry in ClinVar:

NM_017649.5(CNNM2):c.790CTG[4] (p.Leu266_Cys267insLeu)

Gene: CNNM2 (cyclin and CBS domain divalent metal cation transport mediator 2; plus strand). Cytogenetic location: 10q24.32.
Variant type: Microsatellite.
Coding change: c.790CTG[4] on transcript NM_017649.5 (MANE Select); four copies in a row of the 3-base unit CTG starting at c.790; the reference has three copies in a row; one copy, 3 bases duplicated.
Protein change: p.Leu266_Cys267insLeu.
Molecular consequence: inframe insertion.
Genome position (GRCh38, 1-based): chr10:102,919,276-102,919,278, CTG duplicated; duplicating any 3 consecutive bases within chr10:102,919,269-102,919,278 gives the same sequence; the position shown is the placement nearest the transcript's 3' end. VCF-style (leftmost placement, unchanged base first): chr10-102919268-C-CGCT. GRCh37 (hg19) VCF-style: chr10-104679025-C-CGCT.
Other names: c.790CTG[4], p.Leu266_Cys267insLeu (NM_199076.3, NM_199077.3).
Identifiers: ClinVar variation 1696900 (VCV001696900.3), dbSNP rs2134150102, ClinGen allele CA2580616865.
Genomic context (GRCh38, chr10:102,919,268, plus strand): 5'-TGATCGTAGGCGAAGAGAAGAAGTTCCTGCTGCCCTTCTGGCTGCAGGTGATCTTCATTT[C>CGCT]GCTGCTGCTGTGCCTGTCGGGCATGTTCAGCGGCCTCAACCTGGGGCTCATGGCCCTGGA-3'

ClinVar aggregate classification (germline): Likely pathogenic (1 of 4 stars; one submission).

Submission:

GeneDx
Classification: Likely pathogenic. Last evaluated: 2026-08-07. Review status: criteria provided, single submitter. Criteria: GeneDx Variant Classification Process June 2021. Collection method: clinical testing. Allele origin: germline.
Comment: In-frame duplication of 1 amino acid(s) in a non-repeat region; Not observed at significant frequency in large population cohorts (gnomAD); Has not been previously published as pathogenic or benign to our knowledge